The following is an entry in ClinVar:

NM_004393.6(DAG1):c.1919G>A (p.Arg640Gln)

Gene: DAG1 (dystroglycan 1; plus strand). Cytogenetic location: 3p21.31.
Variant type: single nucleotide variant.
Coding change: c.1919G>A on transcript NM_004393.6 (MANE Select); coding-DNA position 1919, G replaced by A.
Protein change: p.Arg640Gln; replaces arginine 640 with glutamine.
Molecular consequence: missense variant.
Genome position (GRCh38, 1-based): chr3:49,532,430, G>A. VCF-style: chr3-49532430-G-A. GRCh37 (hg19) VCF-style: chr3-49569863-G-A.
Other names: c.1919G>A, p.Arg640Gln (NM_001165928.4, NM_001177634.3, NM_001177635.3 and 9 more transcripts); short protein forms R640Q.
Identifiers: ClinVar variation 1473977 (VCV001473977.6), dbSNP rs753665385, ClinGen allele CA2399173.
Genomic context (GRCh38, chr3:49,532,430, plus strand): 5'-TGAATGACATCCACAAGAAGATTGCCTTGGTAAAGAAACTGGCCTTCGCCTTTGGAGACC[G>A]AAACTGTAGCACCATCACCCTGCAGAATATCACCCGGGGCTCCATCGTGGTGGAATGGAC-3'
Protein context (NP_004384.5, residues 630-650): VKKLAFAFGD[Arg640Gln]NCSTITLQNI

ClinVar aggregate classification (germline): Uncertain significance (1 of 4 stars; one submission).

Conditions:
Autosomal recessive limb-girdle muscular dystrophy type 2P. Also called: MUSCULAR DYSTROPHY, LIMB-GIRDLE, TYPE 2P; Limb-Girdle Muscular Dystrophy Type 9C; MUSCULAR DYSTROPHY-DYSTROGLYCANOPATHY, LIMB-GIRDLE, DAG1-RELATED. Identifiers: Orphanet 280333, MedGen C4511963, MONDO:0013440, OMIM 613818.
Muscular dystrophy-dystroglycanopathy (congenital with brain and eye anomalies), type A9. Also called: Muscular dystrophy-dystroglycanopathy (congenital with brain and eye anomalies), type a, 9; WALKER-WARBURG SYNDROME OR MUSCLE-EYE BRAIN DISEASE, DAG1-RELATED. Identifiers: Orphanet 370997, Orphanet 899, MedGen C4225291, MONDO:0014683, OMIM 616538.

Allele frequency attached by ClinVar (database versions not stated): gnomAD exomes 0.00001; TOPMed 0.00001; ExAC 0.00002.
gnomAD v4.1: 8 of 1,614,204 alleles (0.0005%); highest among the groups gnomAD compares: East Asian, 0.0022%; no homozygotes.

Submission:

Labcorp Genetics (formerly Invitae), Labcorp
Classification: Uncertain significance for Autosomal recessive limb-girdle muscular dystrophy type 2P; Muscular dystrophy-dystroglycanopathy (congenital with brain and eye anomalies), type A9. Last evaluated: 2023-05-23. Review status: criteria provided, single submitter. Criteria: Invitae Variant Classification Sherloc (09022015). Collection method: clinical testing. Allele origin: germline.
Comment: In summary, the available evidence is currently insufficient to determine the role of this variant in disease. Therefore, it has been classified as a Variant of Uncertain Significance. This sequence change replaces arginine, which is basic and polar, with glutamine, which is neutral and polar, at codon 640 of the DAG1 protein (p.Arg640Gln). This variant has not been reported in the literature in individuals affected with DAG1-related conditions. Advanced modeling of protein sequence and biophysical properties (such as structural, functional, and spatial information, amino acid conservation, physicochemical variation, residue mobility, and thermodynamic stability) performed at Invitae indicates that this missense variant is not expected to disrupt DAG1 protein function. ClinVar contains an entry for this variant (Variation ID: 1473977). This variant is present in population databases (rs753665385, gnomAD 0.006%).